The following is an entry in ClinVar:

NM_021961.6(TEAD1):c.1167+5T>C

Gene: TEAD1 (TEA domain transcription factor 1; plus strand). Cytogenetic location: 11p15.3.
Variant type: single nucleotide variant.
Coding change: c.1167+5T>C on transcript NM_021961.6 (MANE Select); 5 bases into the intron after coding-DNA position 1167, T replaced by C.
Molecular consequence: intron variant.
Genome position (GRCh38, 1-based): chr11:12,930,331, T>C. VCF-style: chr11-12930331-T-C. GRCh37 (hg19) VCF-style: chr11-12951878-T-C.
Identifiers: ClinVar variation 2805366 (VCV002805366.3), dbSNP rs557596661, ClinGen allele CA5891822.
Genomic context (GRCh38, chr11:12,930,331, plus strand): 5'-ACTTACCAGAGAAATATATGATGAACAGTGTTTTGGAAAACTTCACAATTTTATTGGTAA[T>C]GGTTTTGTCTCTTTCCTCTGTGGGCAGATGCTGCCATGAGGCTTGACAGAAGTGAGGAAG-3'

ClinVar aggregate classification (germline): Uncertain significance (1 of 4 stars; one submission).

Allele frequency attached by ClinVar (database versions not stated): 1000 Genomes Project 0.00020.

Submission:

Labcorp Genetics (formerly Invitae), Labcorp
Classification: Uncertain significance. Last evaluated: 2025-04-16. Review status: criteria provided, single submitter. Criteria: Invitae Variant Classification Sherloc (09022015). Collection method: clinical testing. Allele origin: germline.
Comment: This sequence change falls in intron 12 of the TEAD1 gene. It does not directly change the encoded amino acid sequence of the TEAD1 protein. It affects a nucleotide within the consensus splice site. This variant is not present in population databases (gnomAD no frequency). This variant has not been reported in the literature in individuals affected with TEAD1-related conditions. ClinVar contains an entry for this variant (Variation ID: 2805366). Variants that disrupt the consensus splice site are a relatively common cause of aberrant splicing (PMID: 17576681, 9536098). Algorithms developed to predict the effect of sequence changes on RNA splicing suggest that this variant is not likely to affect RNA splicing. In summary, the available evidence is currently insufficient to determine the role of this variant in disease. Therefore, it has been classified as a Variant of Uncertain Significance.

Literature cited by the submitters: PubMed 17576681; PubMed 9536098.